The following is an entry in ClinVar:

ClinVar aggregate classification (germline): Benign. Review status: criteria provided, multiple submitters, no conflicts (2 of 4 stars). 7 submissions from 6 submitters: Benign (7). Last evaluated 2026-02-02.

Conditions:
Cone-rod dystrophy 11 (CORD11). Identifiers: Orphanet 1872, MedGen C1835865, MONDO:0012483, OMIM 610381.
Age related macular degeneration 6. Identifiers: MedGen C3151060, MONDO:0013406, OMIM 613757.

Allele frequency attached by ClinVar (database versions not stated): 1000 Genomes Project 0.11781; 1000 Genomes Project 30x 0.12086; ESP Exome Variant Server 0.12848; TOPMed 0.15003; gnomAD 0.15079 and 0.15214; gnomAD exomes 0.15839; ExAC 0.28545.

Submissions (7):

Labcorp Genetics (formerly Invitae), Labcorp
Classification: Benign. Last evaluated: 2026-02-02. Review status: criteria provided, single submitter. Criteria: Invitae Variant Classification Sherloc (09022015). Collection method: clinical testing. Allele origin: germline.

GeneDx
Classification: Benign. Last evaluated: 2018-04-26. Review status: criteria provided, single submitter. Criteria: GeneDx Variant Classification (06012015). Collection method: clinical testing. Allele origin: germline. Affected: yes.
Comment: This variant is considered likely benign or benign based on one or more of the following criteria: it is a conservative change, it occurs at a poorly conserved position in the protein, it is predicted to be benign by multiple in silico algorithms, and/or has population frequency not consistent with disease.

Illumina Laboratory Services, Illumina
Classification: Benign for Age related macular degeneration 6. Last evaluated: 2018-01-13. Review status: criteria provided, single submitter. Criteria: ICSL Variant Classification Criteria 13 December 2019. Collection method: clinical testing. Allele origin: germline.
Comment: This variant was observed in the ICSL laboratory as part of a predisposition screen in an ostensibly healthy population. It had not been previously curated by ICSL or reported in the Human Gene Mutation Database (HGMD: prior to June 1st, 2018), and was therefore a candidate for classification through an automated scoring system. Utilizing variant allele frequency, disease prevalence and penetrance estimates, and inheritance mode, an automated score was calculated to assess if this variant is too frequent to cause the disease. Based on the score and internal cut-off values, a variant classified as benign is not then subjected to further curation. The score for this variant resulted in a classification of benign for this disease.

Illumina Laboratory Services, Illumina
Classification: Benign for Cone-rod dystrophy 11. Last evaluated: 2018-01-13. Review status: criteria provided, single submitter. Criteria: ICSL Variant Classification Criteria 13 December 2019. Collection method: clinical testing. Allele origin: germline.
Comment: the same text as in the submission from Illumina Laboratory Services, Illumina above.

Eurofins Ntd Llc (ga)
Classification: Benign. Last evaluated: 2015-12-29. Review status: criteria provided, single submitter. Criteria: EGL Classification Definitions 2015. Collection method: clinical testing. Allele origin: germline. Observed: 14 variant alleles, 12 heterozygotes, 2 homozygotes.

Breakthrough Genomics
Classification: Benign. Review status: criteria provided, single submitter. Criteria: ACMG Guidelines, 2015. Collection method: not provided. Allele origin: germline. Inheritance: Autosomal recessive inheritance. Affected: yes.

PreventionGenetics, part of Exact Sciences
Classification: Benign. Review status: criteria provided, single submitter. Criteria: ACMG Guidelines, 2015. Collection method: clinical testing. Allele origin: germline.

NM_001319074.4(RAX2):c.217-8C>T

Gene: RAX2 (retina and anterior neural fold homeobox 2; minus strand). Cytogenetic location: 19p13.3.
Variant type: single nucleotide variant.
Coding change: c.217-8C>T on transcript NM_001319074.4 (MANE Select); 8 bases into the intron before coding-DNA position 217, C replaced by T.
Molecular consequence: intron variant.
Genome position (GRCh38, 1-based): chr19:3,770,967, G>A on the plus strand (C>T on the coding strand, the complement: RAX2 is on the minus strand). VCF-style: chr19-3770967-G-A. GRCh37 (hg19) VCF-style: chr19-3770965-G-A.
Other names: c.217-8C>T (NM_032753.4).
Identifiers: ClinVar variation 96230 (VCV000096230.19), dbSNP rs79588413, ClinGen allele CA149378.